The following is an entry in ClinVar:

NM_017410.3(HOXC13):c.802A>C (p.Thr268Pro)

Gene: HOXC13 (homeobox C13; plus strand). Cytogenetic location: 12q13.13.
Variant type: single nucleotide variant.
Coding change: c.802A>C on transcript NM_017410.3 (MANE Select); coding-DNA position 802, A replaced by C.
Protein change: p.Thr268Pro; replaces threonine 268 with proline.
Molecular consequence: missense variant.
Genome position (GRCh38, 1-based): chr12:53,945,065, A>C. VCF-style: chr12-53945065-A-C. GRCh37 (hg19) VCF-style: chr12-54338849-A-C.
Other names: short protein forms T268P.
Identifiers: ClinVar variation 2502755 (VCV002502755.1), dbSNP rs376367135, ClinGen allele CA6603889.

ClinVar aggregate classification (germline): Uncertain significance (1 of 4 stars; one submission).

Allele frequency attached by ClinVar (database versions not stated): ESP Exome Variant Server 0.00008.

Submission:

GeneDx
Classification: Uncertain significance. Last evaluated: 2022-11-18. Review status: criteria provided, single submitter. Criteria: GeneDx Variant Classification Process June 2021. Collection method: clinical testing. Allele origin: germline. Affected: yes.
Comment: Not observed at significant frequency in large population cohorts (gnomAD); In silico analysis supports that this missense variant has a deleterious effect on protein structure/function; Has not been previously published as pathogenic or benign to our knowledge